The following is an entry in ClinVar:

NM_001290043.2(TAP2):c.764C>T (p.Ser255Leu)

Gene: TAP2 (transporter 2, ATP binding cassette subfamily B member; minus strand). Cytogenetic location: 6p21.32.
Variant type: single nucleotide variant.
Coding change: c.764C>T on transcript NM_001290043.2 (MANE Select); coding-DNA position 764, C replaced by T.
Protein change: p.Ser255Leu; replaces serine 255 with leucine.
Molecular consequence: missense variant.
Genome position (GRCh38, 1-based): chr6:32,835,335, G>A on the plus strand (C>T on the coding strand, the complement: TAP2 is on the minus strand). VCF-style: chr6-32835335-G-A. GRCh37 (hg19) VCF-style: chr6-32803112-G-A.
Other names: c.764C>T, p.Ser255Leu (NM_000544.3, NM_018833.3); short protein forms S255L.
Identifiers: ClinVar variation 1416411 (VCV001416411.7), dbSNP rs781597165, ClinGen allele CA3746061.

ClinVar aggregate classification (germline): Uncertain significance. Review status: criteria provided, multiple submitters, no conflicts (2 of 4 stars). 2 submissions from 2 submitters: Uncertain significance (2). Last evaluated 2025-09-21.

Conditions:
MHC class I deficiency. Identifiers: Orphanet 34592, MedGen C6024714, MONDO:0011476.
Inborn genetic diseases. Identifiers: MedGen C0950123, MeSH D030342.

Allele frequency attached by ClinVar (database versions not stated): TOPMed 0.00002; gnomAD exomes below 0.00001; ExAC 0.00001; gnomAD 0.00001.
gnomAD v4.1: 23 of 1,612,924 alleles (0.0014%); highest among the groups gnomAD compares: African/African-American, 0.0027%; no homozygotes.

Submissions (2):

Ambry Genetics
Classification: Uncertain significance for Inborn genetic diseases. Last evaluated: 2025-09-21. Review status: criteria provided, single submitter. Criteria: Ambry Variant Classification Scheme 2023. Collection method: clinical testing. Allele origin: germline.

Labcorp Genetics (formerly Invitae), Labcorp
Classification: Uncertain significance for MHC class I deficiency 1. Last evaluated: 2025-07-30. Review status: criteria provided, single submitter. Criteria: Invitae Variant Classification Sherloc (09022015). Collection method: clinical testing. Allele origin: germline.
Comment: This sequence change replaces serine, which is neutral and polar, with leucine, which is neutral and non-polar, at codon 255 of the TAP2 protein (p.Ser255Leu). This variant is present in population databases (rs781597165, gnomAD 0.007%). This variant has not been reported in the literature in individuals affected with TAP2-related conditions. ClinVar contains an entry for this variant (Variation ID: 1416411). Experimental studies and prediction algorithms are not available or were not evaluated, and the functional significance of this variant is currently unknown. In summary, the available evidence is currently insufficient to determine the role of this variant in disease. Therefore, it has been classified as a Variant of Uncertain Significance.